The following is an entry in ClinVar:

ClinVar aggregate classification (germline): Benign/Likely benign. Review status: criteria provided, multiple submitters, no conflicts (2 of 4 stars). 7 submissions from 7 submitters: Benign (2); Likely benign (5). Last evaluated 2025-07-29.

Conditions:
Hypercholesterolemia, autosomal dominant, 3 (FHCL3). Also called: Familial Hypercholesterolemia, Autosomal Dominant, 3; PCSK9-Related Familial Hypercholesterolemia, Autosomal Dominant; Familial hypercholesterolemia 3. Identifiers: MedGen C1863551, MONDO:0011369, OMIM 603776.
Familial hypercholesterolemia. Also called: Familial hypercholesterolemias; Familial hypercholesterolaemia. Identifiers: MedGen C0020445, MONDO:0005439.
Cardiovascular phenotype. Identifiers: MedGen CN230736.

Allele frequency attached by ClinVar (database versions not stated): ExAC 0.00002; TOPMed 0.00005; gnomAD 0.00006; ESP Exome Variant Server 0.00008.
gnomAD v4.1: 40 of 1,614,020 alleles (0.0025%); highest among the groups gnomAD compares: Admixed American, 0.015%; no homozygotes.

Submissions (7):

Labcorp Genetics (formerly Invitae), Labcorp
Classification: Likely benign for Hypercholesterolemia, autosomal dominant, 3. Last evaluated: 2025-07-29. Review status: criteria provided, single submitter. Criteria: Invitae Variant Classification Sherloc (09022015). Collection method: clinical testing. Allele origin: germline.

Quest Diagnostics Nichols Institute San Juan Capistrano
Classification: Benign. Last evaluated: 2025-03-31. Review status: criteria provided, single submitter. Criteria: Quest Diagnostics criteria. Collection method: clinical testing. Allele origin: unknown.

All of Us Research Program, National Institutes of Health
Classification: Likely benign for Hypercholesterolemia, autosomal dominant, 3. Last evaluated: 2024-09-23. Review status: criteria provided, single submitter. Criteria: ACMG Guidelines, 2015. Collection method: clinical testing. Allele origin: germline. Inheritance: Autosomal dominant inheritance. Observed: 18 variant alleles, 18 heterozygotes.
Comment: This study involves interpretation of variants in research participants for the purpose of population health screening. Participant phenotype was not available at the time of variant classification. Additional details can be found in publication PMID: 35346344, PMCID: PMC8962531

Women's Health and Genetics/Laboratory Corporation of America, LabCorp
Classification: Benign. Last evaluated: 2023-07-18. Review status: criteria provided, single submitter. Criteria: LabCorp Variant Classification Summary - May 2015. Collection method: clinical testing. Allele origin: germline.

GENinCode PLC
Classification: Likely benign for Familial hypercholesterolemia. Last evaluated: 2023-02-03. Review status: criteria provided, single submitter. Criteria: ACMG Guidelines, 2015. Collection method: clinical testing. Allele origin: germline.
Comment: This is a synonymous (silent) variant that is not predicted by SpliceAI to impact splicing. In addition, it occurs at a nucleotide that is not conserved. Therefore this variant has been classified as Likely Benign (BP4, BP7).

Ambry Genetics
Classification: Likely benign for Cardiovascular phenotype. Last evaluated: 2019-11-11. Review status: criteria provided, single submitter. Criteria: Ambry Variant Classification Scheme 2023. Collection method: clinical testing. Allele origin: germline.

Color Diagnostics, LLC DBA Color Health
Classification: Likely benign for Familial hypercholesterolemia. Last evaluated: 2019-02-28. Review status: criteria provided, single submitter. Criteria: ACMG Guidelines, 2015. Collection method: clinical testing. Allele origin: germline.

NM_174936.4(PCSK9):c.429C>T (p.Ile143=)

Gene: PCSK9 (proprotein convertase subtilisin/kexin type 9; plus strand). Cytogenetic location: 1p32.3.
Variant type: single nucleotide variant.
Coding change: c.429C>T on transcript NM_174936.4 (MANE Select); coding-DNA position 429, C replaced by T.
Protein change: p.Ile143=; no amino-acid change (isoleucine 143 retained).
Molecular consequence: synonymous variant.
Genome position (GRCh38, 1-based): chr1:55,046,552, C>T. VCF-style: chr1-55046552-C-T. GRCh37 (hg19) VCF-style: chr1-55512225-C-T.
Identifiers: ClinVar variation 700313 (VCV000700313.17), dbSNP rs368511429, ClinGen allele CA042172.